The following is an entry in ClinVar:

NM_020751.3(COG6):c.236T>C (p.Ile79Thr)

Gene: COG6 (component of oligomeric golgi complex 6; plus strand). Cytogenetic location: 13q14.11.
Variant type: single nucleotide variant.
Coding change: c.236T>C on transcript NM_020751.3 (MANE Select); coding-DNA position 236, T replaced by C.
Protein change: p.Ile79Thr; replaces isoleucine 79 with threonine.
Molecular consequence: missense variant. On other transcripts: non-coding transcript variant (1).
Genome position (GRCh38, 1-based): chr13:39,659,446, T>C. VCF-style: chr13-39659446-T-C. GRCh37 (hg19) VCF-style: chr13-40233583-T-C.
Other names: c.236T>C, p.Ile79Thr (NM_001145079.2); short protein forms I79T.
Identifiers: ClinVar variation 3147122 (VCV003147122.2), dbSNP rs759735412, ClinGen allele CA6958245.
Genomic context (GRCh38, chr13:39,659,446, plus strand): 5'-CACTTTCAACCTTTTTTGTTGAAAATAGTCTGCGGACTCGAAGAAATTTACGTGGAGATA[T>C]TGAACGTAAAAGTTTAGCCATCAATGAAGAATTTGTAAGCATTTTCAAGGAAGTGAAGGA-3'
Protein context (NP_065802.1, residues 69-89): LRTRRNLRGD[Ile79Thr]ERKSLAINEE

ClinVar aggregate classification (germline): Uncertain significance. Review status: criteria provided, multiple submitters, no conflicts (2 of 4 stars). 2 submissions from 2 submitters: Uncertain significance (2). Last evaluated 2025-06-17.

Conditions:
Inborn genetic diseases. Identifiers: MedGen C0950123, MeSH D030342.

Allele frequency attached by ClinVar (database versions not stated): ExAC 0.00003; TOPMed 0.00007; gnomAD 0.00011; gnomAD exomes 0.00001.
gnomAD v4.1: 37 of 1,613,202 alleles (0.0023%); highest among the groups gnomAD compares: African/African-American, 0.032%; 1 homozygote.

Submissions (2):

GeneDx
Classification: Uncertain significance. Last evaluated: 2025-06-17. Review status: criteria provided, single submitter. Criteria: GeneDx Variant Classification Process June 2021. Collection method: clinical testing. Allele origin: germline. Affected: yes.
Comment: In silico analysis supports that this missense variant has a deleterious effect on protein structure/function; Has not been previously published as pathogenic or benign to our knowledge

Ambry Genetics
Classification: Uncertain significance for Inborn genetic diseases. Last evaluated: 2023-12-09. Review status: criteria provided, single submitter. Criteria: Ambry Variant Classification Scheme 2023. Collection method: clinical testing. Allele origin: germline.